The following is an entry in ClinVar:

NM_002470.4(MYH3):c.1917G>C (p.Lys639Asn)

Gene: MYH3 (myosin heavy chain 3; minus strand). Cytogenetic location: 17p13.1.
Variant type: single nucleotide variant.
Coding change: c.1917G>C on transcript NM_002470.4 (MANE Select); coding-DNA position 1917, G replaced by C.
Protein change: p.Lys639Asn; replaces lysine 639 with asparagine.
Molecular consequence: missense variant.
Genome position (GRCh38, 1-based): chr17:10,642,282, C>G on the plus strand (G>C on the coding strand, the complement: MYH3 is on the minus strand). VCF-style: chr17-10642282-C-G. GRCh37 (hg19) VCF-style: chr17-10545599-C-G.
Other names: short protein forms K639N.
Identifiers: ClinVar variation 3365388 (VCV003365388.1).

ClinVar aggregate classification (germline): Uncertain significance (1 of 4 stars; one submission).

Submission:

GeneDx
Classification: Uncertain significance. Last evaluated: 2023-12-16. Review status: criteria provided, single submitter. Criteria: GeneDx Variant Classification Process June 2021. Collection method: clinical testing. Allele origin: germline. Affected: yes.
Comment: Not observed at significant frequency in large population cohorts (gnomAD); In silico analysis supports that this missense variant has a deleterious effect on protein structure/function; Has not been previously published as pathogenic or benign to our knowledge